The following is an entry in ClinVar:

ClinVar aggregate classification (germline): Uncertain significance (1 of 4 stars; one submission).

gnomAD v4.1: 1 of 1,613,844 alleles (0.000062%); highest among the groups gnomAD compares: Non-Finnish European, 0.000085%; no homozygotes.

Submission:

GeneDx
Classification: Uncertain significance. Last evaluated: 2025-09-17. Review status: criteria provided, single submitter. Criteria: GeneDx Variant Classification Process June 2021. Collection method: clinical testing. Allele origin: germline.
Comment: Not observed at significant frequency in large population cohorts (gnomAD); In silico analysis supports that this missense variant has a deleterious effect on protein structure/function; Has not been previously published as pathogenic or benign to our knowledge

NM_001270.4(CHD1):c.1547C>A (p.Thr516Lys)

Gene: CHD1 (chromodomain helicase DNA binding protein 1; minus strand). Cytogenetic location: 5q15.
Variant type: single nucleotide variant.
Coding change: c.1547C>A on transcript NM_001270.4 (MANE Select); coding-DNA position 1547, C replaced by A.
Protein change: p.Thr516Lys; replaces threonine 516 with lysine.
Molecular consequence: missense variant. On other transcripts: non-coding transcript variant (2).
Genome position (GRCh38, 1-based): chr5:98,896,389, G>T on the plus strand (C>A on the coding strand, the complement: CHD1 is on the minus strand). VCF-style: chr5-98896389-G-T. GRCh37 (hg19) VCF-style: chr5-98232093-G-T.
Other names: c.1547C>A, p.Thr516Lys (NM_001364113.3, NM_001376194.2); short protein forms T516K.
Identifiers: ClinVar variation 1804472 (VCV001804472.2), dbSNP rs2112493920, ClinGen allele CA360518742.